The following is an entry in ClinVar:

ClinVar aggregate classification (germline): Uncertain significance. Review status: criteria provided, multiple submitters, no conflicts (2 of 4 stars). 2 submissions from 2 submitters: Uncertain significance (2). Last evaluated 2025-09-25.

Conditions:
Inborn genetic diseases. Identifiers: MedGen C0950123, MeSH D030342.
Familial hemophagocytic lymphohistiocytosis 3 (FHL3). Also called: UNC13D-Related Familial Hemophagocytic Lymphohistiocytosis (UNC13D-fHLH). Identifiers: Orphanet 540, MedGen C1837174, MONDO:0012146, OMIM 608898.

Allele frequency attached by ClinVar (database versions not stated): gnomAD 0.00006; ExAC 0.00001; gnomAD exomes 0.00001 and 0.00003; TOPMed 0.00004.
gnomAD v4.1: 16 of 1,605,560 alleles (0.001%); highest among the groups gnomAD compares: African/African-American, 0.012%; no homozygotes.

Submissions (2):

Ambry Genetics
Classification: Uncertain significance for Inborn genetic diseases. Last evaluated: 2025-09-25. Review status: criteria provided, single submitter. Criteria: Ambry Variant Classification Scheme 2023. Collection method: clinical testing. Allele origin: germline.

Labcorp Genetics (formerly Invitae), Labcorp
Classification: Uncertain significance for Familial hemophagocytic lymphohistiocytosis 3. Last evaluated: 2022-03-01. Review status: criteria provided, single submitter. Criteria: Invitae Variant Classification Sherloc (09022015). Collection method: clinical testing. Allele origin: germline.
Comment: This sequence change replaces alanine, which is neutral and non-polar, with serine, which is neutral and polar, at codon 581 of the UNC13D protein (p.Ala581Ser). This variant is present in population databases (rs763766894, gnomAD 0.02%). This variant has not been reported in the literature in individuals affected with UNC13D-related conditions. Algorithms developed to predict the effect of missense changes on protein structure and function are either unavailable or do not agree on the potential impact of this missense change (SIFT: "Not Available"; PolyPhen-2: "Benign"; Align-GVGD: "Not Available"). In summary, the available evidence is currently insufficient to determine the role of this variant in disease. Therefore, it has been classified as a Variant of Uncertain Significance.

NM_199242.3(UNC13D):c.1741G>T (p.Ala581Ser)

Gene: UNC13D (unc-13 homolog D; minus strand). Cytogenetic location: 17q25.1.
Variant type: single nucleotide variant.
Coding change: c.1741G>T on transcript NM_199242.3 (MANE Select); coding-DNA position 1741, G replaced by T.
Protein change: p.Ala581Ser; replaces alanine 581 with serine.
Molecular consequence: missense variant.
Genome position (GRCh38, 1-based): chr17:75,835,516, C>A on the plus strand (G>T on the coding strand, the complement: UNC13D is on the minus strand). VCF-style: chr17-75835516-C-A. GRCh37 (hg19) VCF-style: chr17-73831597-C-A.
Other names: c.1741G>T (NM_199242.2); short protein forms A581S.
Identifiers: ClinVar variation 1365182 (VCV001365182.6), dbSNP rs763766894, ClinGen allele CA8772823.